The following is an entry in ClinVar:

NM_004753.7(DHRS3):c.328G>A (p.Val110Ile)

Gene: DHRS3 (dehydrogenase/reductase 3; minus strand). Cytogenetic location: 1p36.21.
Variant type: single nucleotide variant.
Coding change: c.328G>A on transcript NM_004753.7 (MANE Select); coding-DNA position 328, G replaced by A.
Protein change: p.Val110Ile; replaces valine 110 with isoleucine.
Molecular consequence: missense variant.
Genome position (GRCh38, 1-based): chr1:12,580,534, C>T on the plus strand (G>A on the coding strand, the complement: DHRS3 is on the minus strand). VCF-style: chr1-12580534-C-T. GRCh37 (hg19) VCF-style: chr1-12640562-C-T.
Other names: c.73G>A, p.Val25Ile (NM_001319225.2, NM_001324370.2); short protein forms V110I, V25I.
Identifiers: ClinVar variation 3600355 (VCV003600355.2).
Genomic context (GRCh38, chr1:12,580,534, plus strand): 5'-TTAGCCTGTGGTCAGCTGTGCTAGGAATAGACCCTCCCAGGCTACAGACCTTCTCCCGGA[C>T]GGCCTTGGCCGTCTGGTACACCTCCTCCCGGTTGCCCACATCACAGATGAAGTAATGGCA-3'
Protein context (NP_004744.2, residues 100-120): REEVYQTAKA[Val110Ile]REKVGDITIL

ClinVar aggregate classification (germline): Likely benign (0 of 4 stars; one submission).

gnomAD v4.1: 290 of 1,614,192 alleles (0.018%); highest among the groups gnomAD compares: Middle Eastern, 0.15%; no homozygotes.

Submission:

Wilkie Group, Clinical Genetics Lab, WIMM, University of Oxford
Classification: Likely benign. Last evaluated: 2025-01-22. Review status: no assertion criteria provided. Collection method: research. Allele origin: germline. Affected: no. Observed: 3 variant alleles, 3 homozygotes.